The following is an entry in ClinVar:

ClinVar aggregate classification (germline): Uncertain significance (1 of 4 stars; one submission).

Allele frequency attached by ClinVar (database versions not stated): gnomAD exomes 0.00001; 1000 Genomes Project 0.03135.

Submission:

GeneDx
Classification: Uncertain significance. Last evaluated: 2022-11-14. Review status: criteria provided, single submitter. Criteria: GeneDx Variant Classification Process June 2021. Collection method: clinical testing. Allele origin: germline. Affected: yes.
Comment: Not observed at significant frequency in large population cohorts (gnomAD); In silico analysis supports that this missense variant does not alter protein structure/function; Has not been previously published as pathogenic or benign to our knowledge

NM_017721.5(CC2D1A):c.991A>C (p.Thr331Pro)

Gene: CC2D1A (coiled-coil and C2 domain containing 1A; plus strand). Cytogenetic location: 19p13.12.
Variant type: single nucleotide variant.
Coding change: c.991A>C on transcript NM_017721.5 (MANE Select); coding-DNA position 991, A replaced by C.
Protein change: p.Thr331Pro; replaces threonine 331 with proline.
Molecular consequence: missense variant.
Genome position (GRCh38, 1-based): chr19:13,918,790, A>C. VCF-style: chr19-13918790-A-C. GRCh37 (hg19) VCF-style: chr19-14029603-A-C.
Other names: c.991A>C, p.Thr331Pro (NM_001411138.1); short protein forms T331P.
Identifiers: ClinVar variation 2502086 (VCV002502086.1), dbSNP rs547816872, ClinGen allele CA305622554.